The following is an entry in ClinVar:

ClinVar aggregate classification (germline): Likely benign. Review status: criteria provided, multiple submitters, no conflicts (2 of 4 stars). 3 submissions from 3 submitters: Likely benign (3). Last evaluated 2024-12-09.

Allele frequency attached by ClinVar (database versions not stated): gnomAD exomes 0.00001; TOPMed 0.00005; gnomAD 0.00006.
gnomAD v4.1: 118 of 1,549,824 alleles (0.0076%); highest among the groups gnomAD compares: Non-Finnish European, 0.0097%; no homozygotes.

Submissions (3):

Labcorp Genetics (formerly Invitae), Labcorp
Classification: Likely benign. Last evaluated: 2024-12-09. Review status: criteria provided, single submitter. Criteria: Invitae Variant Classification Sherloc (09022015). Collection method: clinical testing. Allele origin: germline.

CeGaT Center for Human Genetics Tuebingen
Classification: Likely benign. Last evaluated: 2023-04-01. Review status: criteria provided, single submitter. Criteria: CeGaT Center For Human Genetics Tuebingen Variant Classification Criteria Version 2. Collection method: clinical testing. Allele origin: germline. Affected: yes. Observed: 1 variant allele.
Comment: EYS: BP4, BP7

Blueprint Genetics
Classification: Likely benign. Last evaluated: 2019-08-06. Review status: criteria provided, single submitter. Criteria: ACMG Guidelines, 2015. Collection method: clinical testing. Allele origin: germline.

NM_001142800.2(EYS):c.9285G>A (p.Lys3095=)

Genes: EYS (EGF-like photoreceptor maintenance factor; minus strand), PHF3 (PHD finger protein 3; plus strand). Cytogenetic location: 6q12.
Variant type: single nucleotide variant.
Coding change: c.9285G>A on transcript NM_001142800.2 (MANE Select); coding-DNA position 9285, G replaced by A.
Protein change: p.Lys3095=; no amino-acid change (lysine 3095 retained).
Molecular consequence: synonymous variant. On other transcripts: 3 prime UTR variant (5).
Genome position (GRCh38, 1-based): chr6:63,720,746, C>T on the plus strand (G>A on the coding strand, the complement: EYS is on the minus strand). VCF-style: chr6-63720746-C-T. GRCh37 (hg19) VCF-style: chr6-64430642-C-T.
Other names: c.*7038C>T (NM_001290259.2, NM_001370348.2, NM_001370349.2 and 2 more transcripts); c.9348G>A, p.Lys3116= (NM_001292009.2).
Identifiers: ClinVar variation 1097744 (VCV001097744.33), dbSNP rs957507133, ClinGen allele CA140236790.